The following is an entry in ClinVar:

ClinVar aggregate classification (germline): Pathogenic (1 of 4 stars; one submission).

Conditions:
Inborn genetic diseases. Identifiers: MedGen C0950123, MeSH D030342.

Submission:

Ambry Genetics
Classification: Pathogenic for Inborn genetic diseases. Last evaluated: 2021-09-22. Review status: criteria provided, single submitter. Criteria: Ambry Variant Classification Scheme 2023. Collection method: clinical testing. Allele origin: germline.
Comment: The c.3523delC (p.L1175Sfs*41) alteration, located in exon 16 (coding exon 15) of the SPTBN1 gene, consists of a deletion of one nucleotide at position 3523, causing a translational frameshift with a predicted alternate stop codon after 41 amino acids. This alteration is expected to result in loss of function by premature protein truncation or nonsense-mediated mRNA decay. This variant was not reported in population-based cohorts in the Genome Aggregation Database (gnomAD). Based on the available evidence, this alteration is classified as pathogenic.

NM_003128.3(SPTBN1):c.3523del (p.Leu1175fs)

Gene: SPTBN1 (spectrin beta, non-erythrocytic 1; plus strand). Cytogenetic location: 2p16.2.
Variant type: Deletion.
Coding change: c.3523del on transcript NM_003128.3 (MANE Select); coding-DNA position 3523, one base deleted (C; older notation c.3523delC).
Protein change: p.Leu1175fs; shifts the reading frame from leucine 1175.
Molecular consequence: frameshift variant.
Genome position (GRCh38, 1-based): chr2:54,631,570, C deleted; the last of 2 consecutive C bases (chr2:54,631,569-54,631,570); deleting either gives the same sequence. VCF-style (leftmost placement, unchanged base first): chr2-54631568-TC-T. GRCh37 (hg19) VCF-style: chr2-54858705-TC-T.
Other names: c.3484del, p.Leu1162fs (NM_178313.3); short protein forms L1162fs, L1175fs.
Identifiers: ClinVar variation 2231751 (VCV002231751.2), dbSNP rs2549530685, ClinGen allele CA2580067298.